The following is an entry in ClinVar:

ClinVar aggregate classification (germline): Uncertain significance (1 of 4 stars; one submission).

Allele frequency attached by ClinVar (database versions not stated): gnomAD 0.00001.
gnomAD v4.1: 1 of 1,613,750 alleles (0.000062%); highest among the groups gnomAD compares: Admixed American, 0.0017%; no homozygotes.

Submission:

Labcorp Genetics (formerly Invitae), Labcorp
Classification: Uncertain significance. Last evaluated: 2024-06-25. Review status: criteria provided, single submitter. Criteria: Invitae Variant Classification Sherloc (09022015). Collection method: clinical testing. Allele origin: germline.
Comment: This sequence change replaces isoleucine, which is neutral and non-polar, with threonine, which is neutral and polar, at codon 303 of the SAG protein (p.Ile303Thr). This variant is not present in population databases (gnomAD no frequency). This variant has not been reported in the literature in individuals affected with SAG-related conditions. ClinVar contains an entry for this variant (Variation ID: 1423302). Advanced modeling of protein sequence and biophysical properties (such as structural, functional, and spatial information, amino acid conservation, physicochemical variation, residue mobility, and thermodynamic stability) performed at Invitae indicates that this missense variant is not expected to disrupt SAG protein function with a negative predictive value of 80%. In summary, the available evidence is currently insufficient to determine the role of this variant in disease. Therefore, it has been classified as a Variant of Uncertain Significance.

NM_000541.5(SAG):c.908T>C (p.Ile303Thr)

Gene: SAG (S-antigen visual arrestin; plus strand). Cytogenetic location: 2q37.1.
Variant type: single nucleotide variant.
Coding change: c.908T>C on transcript NM_000541.5 (MANE Select); coding-DNA position 908, T replaced by C.
Protein change: p.Ile303Thr; replaces isoleucine 303 with threonine.
Molecular consequence: missense variant.
Genome position (GRCh38, 1-based): chr2:233,335,063, T>C. VCF-style: chr2-233335063-T-C. GRCh37 (hg19) VCF-style: chr2-234243709-T-C.
Other names: short protein forms I303T.
Identifiers: ClinVar variation 1423302 (VCV001423302.6), dbSNP rs2125344138, ClinGen allele CA351048505.